The following is an entry in ClinVar:

NM_001184.4(ATR):c.7769C>T (p.Thr2590Ile)

Gene: ATR (ATR checkpoint kinase; minus strand). Cytogenetic location: 3q23.
Variant type: single nucleotide variant.
Coding change: c.7769C>T on transcript NM_001184.4 (MANE Select); coding-DNA position 7769, C replaced by T.
Protein change: p.Thr2590Ile; replaces threonine 2590 with isoleucine.
Molecular consequence: missense variant.
Genome position (GRCh38, 1-based): chr3:142,449,595, G>A on the plus strand (C>T on the coding strand, the complement: ATR is on the minus strand). VCF-style: chr3-142449595-G-A. GRCh37 (hg19) VCF-style: chr3-142168437-G-A.
Other names: c.7577C>T, p.Thr2526Ile (NM_001354579.2); short protein forms T2526I, T2590I.
Identifiers: ClinVar variation 2453604 (VCV002453604.2), dbSNP rs2070735565, ClinGen allele CA354793976.

ClinVar aggregate classification (germline): Uncertain significance (1 of 4 stars; one submission).

Conditions:
Inborn genetic diseases. Identifiers: MedGen C0950123, MeSH D030342.

Allele frequency attached by ClinVar (database versions not stated): gnomAD exomes below 0.00001.

Submission:

Ambry Genetics
Classification: Uncertain significance for Inborn genetic diseases. Last evaluated: 2023-03-03. Review status: criteria provided, single submitter. Criteria: Ambry Variant Classification Scheme 2023. Collection method: clinical testing. Allele origin: germline.
Comment: The p.T2590I variant (also known as c.7769C>T), located in coding exon 47 of the ATR gene, results from a C to T substitution at nucleotide position 7769. The threonine at codon 2590 is replaced by isoleucine, an amino acid with similar properties. This amino acid position is conserved. In addition, this alteration is predicted to be tolerated by in silico analysis. Since supporting evidence is limited at this time, the clinical significance of this alteration remains unclear.